The following is an entry in ClinVar:

ClinVar aggregate classification (germline): Uncertain significance (1 of 4 stars; one submission).

Conditions:
Cardiovascular phenotype. Identifiers: MedGen CN230736.

gnomAD v4.1: 1 of 1,614,206 alleles (0.000062%); highest among the groups gnomAD compares: Non-Finnish European, 0.000085%; no homozygotes.

Submission:

Ambry Genetics
Classification: Uncertain significance for Cardiovascular phenotype. Last evaluated: 2025-07-14. Review status: criteria provided, single submitter. Criteria: Ambry Variant Classification Scheme 2023. Collection method: clinical testing. Allele origin: germline.
Comment: The p.Q1310* variant (also known as c.3928C>T), located in coding exon 27 of the MYH7 gene, results from a C to T substitution at nucleotide position 3928. This changes the amino acid from a glutamine to a stop codon within coding exon 27. This variant has been reported in an ostensibly healthy cohort (Mazzarotto F et al. Genet Med, 2021 May;23:856-864). This alteration is expected to result in protein truncation or nonsense-mediated mRNA decay. However, loss of function of MYH7 has not been established as a mechanism of disease. Based on the available evidence, the clinical significance of this alteration remains unclear.

Literature cited by the submitters: PubMed 33500567.

NM_000257.4(MYH7):c.3928C>T (p.Gln1310Ter)

Gene: MYH7 (myosin heavy chain 7; minus strand). Cytogenetic location: 14q11.2.
Variant type: single nucleotide variant.
Coding change: c.3928C>T on transcript NM_000257.4 (MANE Select); coding-DNA position 3928, C replaced by T.
Protein change: p.Gln1310Ter; replaces glutamine 1310 with a stop codon.
Molecular consequence: nonsense.
Genome position (GRCh38, 1-based): chr14:23,419,221, G>A on the plus strand (C>T on the coding strand, the complement: MYH7 is on the minus strand). VCF-style: chr14-23419221-G-A. GRCh37 (hg19) VCF-style: chr14-23888430-G-A.
Other names: c.3928C>T, p.Gln1310Ter (NM_001407004.1); short protein forms Q1310*.
Identifiers: ClinVar variation 4114878 (VCV004114878.1).